The following is an entry in ClinVar:

NM_177438.3(DICER1):c.2651-10C>G

Gene: DICER1 (dicer 1, ribonuclease III; minus strand). Cytogenetic location: 14q32.13.
Variant type: single nucleotide variant.
Coding change: c.2651-10C>G on transcript NM_177438.3 (MANE Select); 10 bases into the intron before coding-DNA position 2651, C replaced by G.
Molecular consequence: intron variant.
Genome position (GRCh38, 1-based): chr14:95,107,771, G>C on the plus strand (C>G on the coding strand, the complement: DICER1 is on the minus strand). VCF-style: chr14-95107771-G-C. GRCh37 (hg19) VCF-style: chr14-95574108-G-C.
Other names: c.2651-10C>G (NM_001291628.2, NM_030621.4, NM_001395677.1 and 12 more transcripts); c.2246-10C>G (NM_001395690.1, NM_001395687.1, NM_001395689.1 and 2 more transcripts); c.2369-10C>G (NM_001395686.1); c.2084-10C>G (NM_001395691.1); c.968-10C>G (NM_001395697.1).
Identifiers: ClinVar variation 3393360 (VCV003393360.1).

ClinVar aggregate classification (germline): Uncertain significance (1 of 4 stars; one submission).

Conditions:
Hereditary cancer-predisposing syndrome. Also called: Hereditary Cancer Syndrome; Tumor predisposition; Hereditary neoplastic syndrome; Neoplastic Syndromes, Hereditary. Identifiers: Orphanet 140162, MedGen C0027672, MeSH D009386, MONDO:0015356.

Submission:

Hereditary Cancer Group, L’Institut d'Investigació Biomèdica de Bellvitge
Classification: Uncertain significance for Hereditary cancer-predisposing syndrome. Last evaluated: 2024-12-19. Review status: criteria provided, single submitter. Criteria: Hatton et al. (Hum Mutat. 2023). Collection method: clinical testing. Allele origin: germline. Inheritance: Autosomal dominant inheritance. Affected: yes.
Comment: PM2_supporting, BP4